The following is an entry in ClinVar:

NM_000552.5(VWF):c.2442+4A>G

Gene: VWF (von Willebrand factor; minus strand). Cytogenetic location: 12p13.31.
Variant type: single nucleotide variant.
Coding change: c.2442+4A>G on transcript NM_000552.5 (MANE Select); 4 bases into the intron after coding-DNA position 2442, A replaced by G.
Molecular consequence: intron variant.
Genome position (GRCh38, 1-based): chr12:6,044,287, T>C on the plus strand (A>G on the coding strand, the complement: VWF is on the minus strand). VCF-style: chr12-6044287-T-C. GRCh37 (hg19) VCF-style: chr12-6153453-T-C.
Identifiers: ClinVar variation 1695350 (VCV001695350.2), dbSNP rs777608246, ClinGen allele CA6403074.

ClinVar aggregate classification (germline): Uncertain significance. Review status: criteria provided, multiple submitters, no conflicts (2 of 4 stars). 2 submissions from 2 submitters: Uncertain significance (2). Last evaluated 2025-04-02.

Conditions:
von Willebrand disease type 1 (VWD1). Also called: VON WILLEBRAND DISEASE, TYPE I; VWD, TYPE 1. Identifiers: Orphanet 166078, Orphanet 903, MedGen C1264039, MONDO:0008668, OMIM 193400. Inheritance: autosomal recessive or autosomal dominant.

Allele frequency attached by ClinVar (database versions not stated): gnomAD 0.00001; TOPMed 0.00003; gnomAD exomes 0.00004 and 0.00006; ExAC 0.00007.
gnomAD v4.1: 65 of 1,613,938 alleles (0.004%); highest among the groups gnomAD compares: Non-Finnish European, 0.0053%; no homozygotes.

Submissions (2):

GeneDx
Classification: Uncertain significance. Last evaluated: 2025-04-02. Review status: criteria provided, single submitter. Criteria: GeneDx Variant Classification Process June 2021. Collection method: clinical testing. Allele origin: germline. Affected: yes.
Comment: In silico analysis supports a deleterious effect on splicing; Has not been previously published as pathogenic or benign to our knowledge

Laboratory of Hematology, Radboud University Medical Center
Classification: Uncertain significance for von Willebrand disease type 1. Last evaluated: 2020-12-10. Review status: criteria provided, single submitter. Criteria: ACMG Guidelines, 2015. Collection method: research. Allele origin: germline. Affected: yes. Observed: 1 variant allele. Study: WIN study.